The following is an entry in ClinVar:

ClinVar aggregate classification (germline): Benign/Likely benign. Review status: criteria provided, multiple submitters, no conflicts (2 of 4 stars). 5 submissions from 5 submitters: Benign (1); Likely benign (4). Last evaluated 2026-03-04.

Conditions:
CHEK2-related disorder.
Hereditary cancer-predisposing syndrome. Also called: Neoplastic Syndromes, Hereditary; Hereditary Cancer Syndrome; Tumor predisposition; Hereditary neoplastic syndrome. Identifiers: Orphanet 140162, MedGen C0027672, MeSH D009386, MONDO:0015356.
Familial cancer of breast. Also called: BREAST CANCER, FAMILIAL; Hereditary breast cancer; hereditary breast carcinoma. Identifiers: Orphanet 227535, MedGen C0346153, MONDO:0016419, OMIM 114480. Disease mechanism: loss of function.

Submissions (5):

Ambry Genetics
Classification: Likely benign for Hereditary cancer-predisposing syndrome. Last evaluated: 2026-03-04. Review status: criteria provided, single submitter. Criteria: Ambry Variant Classification Scheme 2023. Collection method: clinical testing. Allele origin: germline.

Labcorp Genetics (formerly Invitae), Labcorp
Classification: Likely benign for Familial cancer of breast. Last evaluated: 2025-11-05. Review status: criteria provided, single submitter. Criteria: Invitae Variant Classification Sherloc (09022015). Collection method: clinical testing. Allele origin: germline.

PreventionGenetics, part of Exact Sciences
Classification: Likely benign for CHEK2-related condition. Last evaluated: 2024-12-20. Review status: criteria provided, single submitter. Criteria: ACMG Guidelines, 2015. Collection method: clinical testing. Allele origin: germline.
Comment: This variant is classified as likely benign based on ACMG/AMP sequence variant interpretation guidelines (Richards et al. 2015 PMID: 25741868, with internal and published modifications).

Myriad Genetics, Inc.
Classification: Benign for Familial cancer of breast. Last evaluated: 2024-10-01. Review status: criteria provided, single submitter. Criteria: Myriad Autosomal Dominant, Autosomal Recessive and X-Linked Classification Criteria (2023). Collection method: clinical testing. Allele origin: unknown.
Comment: This variant is considered benign. This variant is a silent/synonymous amino acid change and it is not expected to impact splicing.

Color Diagnostics, LLC DBA Color Health
Classification: Likely benign for Hereditary cancer-predisposing syndrome. Last evaluated: 2022-11-21. Review status: criteria provided, single submitter. Criteria: ACMG Guidelines, 2015. Collection method: clinical testing. Allele origin: germline.

NM_007194.4(CHEK2):c.87A>G (p.Gln29=)

Gene: CHEK2 (checkpoint kinase 2; minus strand). Cytogenetic location: 22q12.1.
Variant type: single nucleotide variant.
Coding change: c.87A>G on transcript NM_007194.4 (MANE Select); coding-DNA position 87, A replaced by G.
Protein change: p.Gln29=; no amino-acid change (glutamine 29 retained).
Molecular consequence: synonymous variant.
Genome position (GRCh38, 1-based): chr22:28,734,635, T>C on the plus strand (A>G on the coding strand, the complement: CHEK2 is on the minus strand). VCF-style: chr22-28734635-T-C. GRCh37 (hg19) VCF-style: chr22-29130623-T-C.
Other names: c.87A>G, p.Gln29= (NM_001005735.3, NM_001349956.3, NM_145862.3); c.-691A>G (NM_001257387.3).
Identifiers: ClinVar variation 483389 (VCV000483389.21), dbSNP rs951525447, ClinGen allele CA322998844.